The following is an entry in ClinVar:

NM_002474.3(MYH11):c.3154_3174dup (p.Arg1058_Lys1059insGluLeuGluLysLeuLysArg)

Gene: MYH11 (myosin heavy chain 11; minus strand). Cytogenetic location: 16p13.11.
Variant type: Duplication.
Coding change: c.3154_3174dup on transcript NM_002474.3 (MANE Select); coding-DNA positions 3154 to 3174, 21 bases duplicated (GAGCTGGAGAAGCTGAAACGG).
Protein change: p.Arg1058_Lys1059insGluLeuGluLysLeuLysArg.
Molecular consequence: inframe insertion.
Genome position (GRCh38, 1-based): chr16:15,737,568-15,737,588, CCGTTTCAGCTTCTCCAGCTC duplicated on the plus strand (GAGCTGGAGAAGCTGAAACGG on the coding strand, the reverse complement: MYH11 is on the minus strand); duplicating any 21 consecutive bases within chr16:15,737,568-15,737,589 gives the same sequence; the c. name uses the placement nearest the transcript's 3' end. VCF-style (leftmost placement, unchanged base first): chr16-15737567-T-TCCGTTTCAGCTTCTCCAGCTC. GRCh37 (hg19) VCF-style: chr16-15831424-T-TCCGTTTCAGCTTCTCCAGCTC.
Other names: c.3175_3195dup, p.Arg1065_Lys1066insGluLeuGluLysLeuLysArg (NM_001040113.2, NM_001040114.2); c.3154_3174dup, p.Arg1058_Lys1059insGluLeuGluLysLeuLysArg (NM_022844.3).
Identifiers: ClinVar variation 4635421 (VCV004635421.1).

ClinVar aggregate classification (germline): Uncertain significance (1 of 4 stars; one submission).

Conditions:
Familial thoracic aortic aneurysm and aortic dissection (TAAD). Also called: Thoracic aortic aneurysms and dissections. Identifiers: Orphanet 91387, MedGen C4707243, MONDO:0019625.

Submission:

Ambry Genetics
Classification: Uncertain significance for Familial thoracic aortic aneurysm and aortic dissection. Last evaluated: 2025-11-04. Review status: criteria provided, single submitter. Criteria: Ambry Variant Classification Scheme 2023. Collection method: clinical testing. Allele origin: germline.
Comment: The c.3154_3174dup21 variant (also known as p.E1052_R1058dup), located in coding exon 24 of the MYH11 gene, results from an in-frame duplication of 21 nucleotides at nucleotide positions 3154 to 3174. This results in the duplication of 7 extra residues (ELEKLKR) between codons 1052 and 1058. This amino acid region is well conserved in available vertebrate species. In addition, this variant is predicted to be deleterious by in silico analysis (Choi Y et al. PLoS ONE. 2012; 7(10):e46688). Based on the available evidence, the clinical significance of this variant remains unclear.